The following is an entry in ClinVar:

ClinVar aggregate classification (germline): Uncertain significance (1 of 4 stars; one submission).

Conditions:
Spastic paraplegia. Identifiers: MedGen C0037772, HP:0001258.

Allele frequency attached by ClinVar (database versions not stated): gnomAD exomes 0.00001; TOPMed below 0.00001; ExAC 0.00001.
gnomAD v4.1: 7 of 1,613,924 alleles (0.00043%); highest among the groups gnomAD compares: Non-Finnish European, 0.00059%; no homozygotes.

Submission:

Labcorp Genetics (formerly Invitae), Labcorp
Classification: Uncertain significance for Spastic paraplegia. Last evaluated: 2025-06-14. Review status: criteria provided, single submitter. Criteria: Invitae Variant Classification Sherloc (09022015). Collection method: clinical testing. Allele origin: germline.
Comment: This sequence change replaces valine, which is neutral and non-polar, with alanine, which is neutral and non-polar, at codon 272 of the HSPD1 protein (p.Val272Ala). This variant is present in population databases (rs775463346, gnomAD 0.004%). This variant has not been reported in the literature in individuals affected with HSPD1-related conditions. ClinVar contains an entry for this variant (Variation ID: 1962802). Invitae Evidence Modeling of protein sequence and biophysical properties (such as structural, functional, and spatial information, amino acid conservation, physicochemical variation, residue mobility, and thermodynamic stability) indicates that this missense variant is not expected to disrupt HSPD1 protein function with a negative predictive value of 80%. In summary, the available evidence is currently insufficient to determine the role of this variant in disease. Therefore, it has been classified as a Variant of Uncertain Significance.

NM_002156.5(HSPD1):c.815T>C (p.Val272Ala)

Gene: HSPD1 (heat shock protein family D (Hsp60) member 1; minus strand). Cytogenetic location: 2q33.1.
Variant type: single nucleotide variant.
Coding change: c.815T>C on transcript NM_002156.5 (MANE Select); coding-DNA position 815, T replaced by C.
Protein change: p.Val272Ala; replaces valine 272 with alanine.
Molecular consequence: missense variant.
Genome position (GRCh38, 1-based): chr2:197,493,378, A>G on the plus strand (T>C on the coding strand, the complement: HSPD1 is on the minus strand). VCF-style: chr2-197493378-A-G. GRCh37 (hg19) VCF-style: chr2-198358102-A-G.
Other names: c.815T>C, p.Val272Ala (NM_199440.2); short protein forms V272A.
Identifiers: ClinVar variation 1962802 (VCV001962802.5), dbSNP rs775463346, ClinGen allele CA2043502.